The following is an entry in ClinVar:

ClinVar aggregate classification (germline): Pathogenic (0 of 4 stars; one submission).

Conditions:
Undetermined early-onset epileptic encephalopathy. Identifiers: Orphanet 442835, MedGen C5680057, MONDO:0018614.

Submission:

University Medical Center Utrecht, University Utrecht
Classification: Pathogenic for Undetermined early-onset epileptic encephalopathy. Last evaluated: 2023-12-22. Review status: no assertion criteria provided. Collection method: research, in vitro. Allele origin: de novo, not applicable. Inheritance: Autosomal dominant inheritance. Affected: yes.
Comment: The variant resides in the kinase domain: c.(1532G>C);p.(Gly511Ala). The variant is absent from population databases. The residue is highly conserved throughout species (Drosophila Melanogaster, Xenopus Laevis, Gallus Gallus, Mus Musculus, Rattus Norvegicus). The residue is also conserved across similar kinases. PolyPhen predicts this variant to be damaging (0.995) and it has a CADD score of 26.9. Gly511 is part of the activation segment of the kinase domain and is involved in the transfer of the phosphate of ATP to cofilin. The backbone conformation of Gly511 adopts psi and phi- and psi-angles that are impossible for other amino acids to adopt. In vitro functional studies performed in patient-derived fibroblast revealed normal protein levels of LIMK1 compared to healthy controls (Muffels et al., in press). Additionally, normal protein levels of phosphorylated cofilin were observed in fibroblasts. Patient-derived fibroblasts show decreased actin polymerization. T- and B cells show normal levels of actin polymerization. The fact that both parents of this individual do not carry the variant (PS2), functional evidence in patient-derived cells (PS3), computational predictions of deleterious effect (PP3) and absence from population databases (PM2) classifies this variant as pathogenic.

NM_002314.4(LIMK1):c.1532G>C (p.Gly511Ala)

Gene: LIMK1 (LIM domain kinase 1; plus strand). Cytogenetic location: 7q11.23.
Variant type: single nucleotide variant.
Coding change: c.1532G>C on transcript NM_002314.4 (MANE Select); coding-DNA position 1532, G replaced by C.
Protein change: p.Gly511Ala; replaces glycine 511 with alanine.
Molecular consequence: missense variant.
Genome position (GRCh38, 1-based): chr7:74,115,923, G>C. VCF-style: chr7-74115923-G-C. GRCh37 (hg19) VCF-style: chr7-73530253-G-C.
Other names: c.1430G>C, p.Gly477Ala (NM_001204426.2); short protein forms G477A, G511A.
Identifiers: ClinVar variation 2674589 (VCV002674589.1), dbSNP rs2487140003.